The following is an entry in ClinVar:

ClinVar aggregate classification (germline): Uncertain significance. Review status: criteria provided, multiple submitters, no conflicts (2 of 4 stars). 5 submissions from 5 submitters: Uncertain significance (5). Last evaluated 2025-01-19.

Conditions:
Multiple epiphyseal dysplasia, Al-Gazali type. Also called: Macrocephaly with multiple epiphyseal dysplasia and distinctive facies. Identifiers: Orphanet 166024, MedGen C1846722, MONDO:0011778, OMIM 607131.
Acrocallosal syndrome (ACLS). Also called: HALLUX DUPLICATION, POSTAXIAL POLYDACTYLY, AND ABSENCE OF CORPUS CALLOSUM; Schinzel syndrome 1; Absence of corpus callosum with unusual facial appearance, mental deficiency, duplication of the halluces and polydactyly. Identifiers: Orphanet 36, MedGen C0796147, MONDO:0008708, OMIM 200990.
Hydrolethalus syndrome 2 (HLS2). Identifiers: Orphanet 2189, MedGen C3279899, MONDO:0013585, OMIM 614120.

Allele frequency attached by ClinVar (database versions not stated): gnomAD 0.00010 and 0.00011; gnomAD exomes 0.00011 and 0.00028; ExAC 0.00012; TOPMed 0.00015; ESP Exome Variant Server 0.00023.
gnomAD v4.1: 415 of 1,612,282 alleles (0.026%); highest among the groups gnomAD compares: Non-Finnish European, 0.033%; no homozygotes.

Submissions (5):

Labcorp Genetics (formerly Invitae), Labcorp
Classification: Uncertain significance for Acrocallosal syndrome. Last evaluated: 2025-01-19. Review status: criteria provided, single submitter. Criteria: Invitae Variant Classification Sherloc (09022015). Collection method: clinical testing. Allele origin: germline.
Comment: This sequence change replaces valine, which is neutral and non-polar, with methionine, which is neutral and non-polar, at codon 828 of the KIF7 protein (p.Val828Met). This variant is present in population databases (rs143915145, gnomAD 0.02%). This missense change has been observed in individual(s) with clinical features of acrocallosal syndrome (PMID: 26174511). ClinVar contains an entry for this variant (Variation ID: 384330). Invitae Evidence Modeling of protein sequence and biophysical properties (such as structural, functional, and spatial information, amino acid conservation, physicochemical variation, residue mobility, and thermodynamic stability) indicates that this missense variant is not expected to disrupt KIF7 protein function with a negative predictive value of 80%. In summary, the available evidence is currently insufficient to determine the role of this variant in disease. Therefore, it has been classified as a Variant of Uncertain Significance.

Blueprint Genetics
Classification: Uncertain significance. Last evaluated: 2024-10-31. Review status: criteria provided, single submitter. Criteria: ACMG Guidelines, 2015. Collection method: clinical testing. Allele origin: germline.

GeneDx
Classification: Uncertain significance. Last evaluated: 2022-05-09. Review status: criteria provided, single submitter. Criteria: GeneDx Variant Classification Process June 2021. Collection method: clinical testing. Allele origin: germline. Affected: yes.
Comment: In silico analysis supports that this missense variant does not alter protein structure/function; This variant is associated with the following publications: (PMID: 26174511)

Daryl Scott Lab, Baylor College of Medicine
Classification: Uncertain significance for Acrocallosal syndrome. Last evaluated: 2022-02-01. Review status: criteria provided, single submitter. Criteria: ACMG Guidelines, 2015. Collection method: clinical testing. Allele origin: biparental. Observed: 1 variant allele, 1 compound heterozygote.

Fulgent Genetics
Classification: Uncertain significance for Acrocallosal syndrome; Multiple epiphyseal dysplasia, Al-Gazali type; Hydrolethalus syndrome 2. Last evaluated: 2018-10-31. Review status: criteria provided, single submitter. Criteria: ACMG Guidelines, 2015. Collection method: clinical testing. Allele origin: unknown.

Literature cited by the submitters: PubMed 26174511 (cited by Labcorp Genetics (formerly Invitae), Labcorp); PubMed 36474027 (cited by Daryl Scott Lab, Baylor College of Medicine).

NM_198525.3(KIF7):c.2482G>A (p.Val828Met)

Gene: KIF7 (kinesin family member 7; minus strand). Cytogenetic location: 15q26.1.
Variant type: single nucleotide variant.
Coding change: c.2482G>A on transcript NM_198525.3 (MANE Select); coding-DNA position 2482, G replaced by A.
Protein change: p.Val828Met; replaces valine 828 with methionine.
Molecular consequence: missense variant.
Genome position (GRCh38, 1-based): chr15:89,633,796, C>T on the plus strand (G>A on the coding strand, the complement: KIF7 is on the minus strand). VCF-style: chr15-89633796-C-T. GRCh37 (hg19) VCF-style: chr15-90177027-C-T.
Other names: short protein forms V828M.
Identifiers: ClinVar variation 384330 (VCV000384330.12), dbSNP rs143915145, ClinGen allele CA7728134.